The following is an entry in ClinVar:

NM_001875.5(CPS1):c.420C>A (p.Tyr140Ter)

Gene: CPS1 (carbamoyl-phosphate synthase 1; plus strand). Cytogenetic location: 2q34.
Variant type: single nucleotide variant.
Coding change: c.420C>A on transcript NM_001875.5 (MANE Select); coding-DNA position 420, C replaced by A.
Protein change: p.Tyr140Ter; replaces tyrosine 140 with a stop codon.
Molecular consequence: nonsense. On other transcripts: non-coding transcript variant (1).
Genome position (GRCh38, 1-based): chr2:210,577,459, C>A. VCF-style: chr2-210577459-C-A. GRCh37 (hg19) VCF-style: chr2-211442183-C-A.
Other names: c.420C>A, p.Tyr140Ter (NM_001122633.3, NM_001369257.1); c.453C>A, p.Tyr151Ter (NM_001369256.1); short protein forms Y140*, Y151*.
Identifiers: ClinVar variation 1361235 (VCV001361235.7), dbSNP rs772576138, ClinGen allele CA350424900.

ClinVar aggregate classification (germline): Pathogenic/Likely pathogenic. Review status: criteria provided, multiple submitters, no conflicts (2 of 4 stars). 2 submissions from 2 submitters: Pathogenic (1); Likely pathogenic (1). Last evaluated 2024-05-02.

Conditions:
Pulmonary hypertension, neonatal, susceptibility to (PHN). Identifiers: MedGen C3714958, MONDO:0014151, OMIM 615371.
Congenital hyperammonemia, type I. Also called: CPS I DEFICIENCY; Carbamoyl-phosphate synthase I deficiency; Carbamoyl phosphate synthetase 1 deficiency; Hyperammonemia due to carbamoyl phosphate synthetase 1 deficiency; CPS 1 deficiency; Carbamyl phosphate synthetase (CPS) deficiency. Identifiers: Orphanet 147, MedGen C4082171, MONDO:0009376, OMIM 237300.

gnomAD v4.1: 2 of 1,613,738 alleles (0.00012%); highest among the groups gnomAD compares: Non-Finnish European, 0.00017%; no homozygotes.

Submissions (2):

Labcorp Genetics (formerly Invitae), Labcorp
Classification: Pathogenic for Congenital hyperammonemia, type I. Last evaluated: 2024-05-02. Review status: criteria provided, single submitter. Criteria: Invitae Variant Classification Sherloc (09022015). Collection method: clinical testing. Allele origin: germline.
Comment: This sequence change creates a premature translational stop signal (p.Tyr140*) in the CPS1 gene. It is expected to result in an absent or disrupted protein product. Loss-of-function variants in CPS1 are known to be pathogenic (PMID: 21120950). This variant is not present in population databases (gnomAD no frequency). This variant has not been reported in the literature in individuals affected with CPS1-related conditions. ClinVar contains an entry for this variant (Variation ID: 1361235). For these reasons, this variant has been classified as Pathogenic.

Baylor Genetics
Classification: Likely pathogenic for Pulmonary hypertension, neonatal, susceptibility to. Last evaluated: 2023-10-23. Review status: criteria provided, single submitter. Criteria: ACMG Guidelines, 2015. Collection method: clinical testing. Allele origin: unknown.

Literature cited by the submitters: PubMed 21120950 (cited by Labcorp Genetics (formerly Invitae), Labcorp).